The following is an entry in ClinVar:

NM_005708.5(GPC6):c.607G>A (p.Val203Met)

Genes: GPC6 (glypican 6; plus strand), GPC6-AS2 (GPC6 antisense RNA 2; minus strand). Cytogenetic location: 13q31.3.
Variant type: single nucleotide variant.
Coding change: c.607G>A on transcript NM_005708.5 (MANE Select); coding-DNA position 607, G replaced by A.
Protein change: p.Val203Met; replaces valine 203 with methionine.
Molecular consequence: missense variant.
Genome position (GRCh38, 1-based): chr13:93,830,441, G>A. VCF-style: chr13-93830441-G-A. GRCh37 (hg19) VCF-style: chr13-94482694-G-A.
Other names: short protein forms V203M.
Identifiers: ClinVar variation 4986476 (VCV004986476.1).
Genomic context (GRCh38, chr13:93,830,441, plus strand): 5'-AGTGAAGACTACCTGGAATGTGTGAGCAAATACACTGACCAGCTCAAGCCATTTGGAGAC[G>A]TGCCCCGGAAACTGAAGATTCAGGTTACCCGCGCCTTCATTGCTGCCAGGACCTTTGTCC-3'
Protein context (NP_005699.1, residues 193-213): YTDQLKPFGD[Val203Met]PRKLKIQVTR

ClinVar aggregate classification (germline): Uncertain significance (1 of 4 stars; one submission).

Conditions:
GPC6-related disorder. Also called: GPC6-related condition.

gnomAD v4.1: 11 of 1,613,650 alleles (0.00068%); highest among the groups gnomAD compares: African/African-American, 0.0027%; no homozygotes.

Submission:

PreventionGenetics, part of Exact Sciences
Classification: Uncertain significance for GPC6-related condition. Last evaluated: 2024-11-14. Review status: criteria provided, single submitter. Criteria: ACMG Guidelines, 2015. Collection method: clinical testing. Allele origin: germline.
Comment: The GPC6 c.607G>A variant is predicted to result in the amino acid substitution p.Val203Met. To our knowledge, this variant has not been reported in the literature. This variant is reported in 0.0099% of alleles in individuals of Ashkenazi Jewish descent in gnomAD. At this time, the clinical significance of this variant is uncertain due to the absence of conclusive functional and genetic evidence.